The following is an entry in ClinVar:

NM_006180.6(NTRK2):c.2127G>A (p.Gly709=)

Gene: NTRK2 (neurotrophic receptor tyrosine kinase 2; plus strand). Cytogenetic location: 9q21.33.
Variant type: single nucleotide variant.
Coding change: c.2127G>A on transcript NM_006180.6 (MANE Select); coding-DNA position 2127, G replaced by A.
Protein change: p.Gly709=; no amino-acid change (glycine 709 retained).
Molecular consequence: synonymous variant.
Genome position (GRCh38, 1-based): chr9:84,955,472, G>A. VCF-style: chr9-84955472-G-A. GRCh37 (hg19) VCF-style: chr9-87570387-G-A.
Other names: c.2079G>A, p.Gly693= (NM_001018064.3, NM_001369532.1, NM_001369533.1); c.2043G>A, p.Gly681= (NM_001369534.1); c.1611G>A, p.Gly537= (NM_001369535.1); c.1659G>A, p.Gly553= (NM_001369536.1); c.2127G>A (NM_006180.4).
Identifiers: ClinVar variation 1619869 (VCV001619869.9), dbSNP rs769774777, ClinGen allele CA5105920.
Genomic context (GRCh38, chr9:84,955,472, plus strand): 5'-GCACCGCGATTTGGCCACCAGGAACTGCCTGGTCGGGGAGAACTTGCTGGTGAAAATCGG[G>A]GACTTTGGGATGTCCCGGGACGTGTACAGCACTGACTACTACAGGGTGAGTAGCTGTGCA-3'
Protein context (NP_006171.2, residues 699-719): LVGENLLVKI[Gly709=]DFGMSRDVYS

ClinVar aggregate classification (germline): Likely benign. Review status: criteria provided, multiple submitters, no conflicts (2 of 4 stars). 2 submissions from 2 submitters: Likely benign (2). Last evaluated 2026-09-23.

Conditions:
NTRK2-related disorder. Also called: NTRK2-related condition.

Allele frequency attached by ClinVar (database versions not stated): ExAC 0.00001; gnomAD 0.00001; gnomAD exomes 0.00001; TOPMed 0.00001.
gnomAD v4.1: 15 of 1,614,126 alleles (0.00093%); highest among the groups gnomAD compares: African/African-American, 0.0013%; no homozygotes.

Submissions (2):

PreventionGenetics, part of Exact Sciences
Classification: Likely benign for NTRK2-related condition. Last evaluated: 2026-09-23. Review status: criteria provided, single submitter. Criteria: ACMG Guidelines, 2015. Collection method: clinical testing. Allele origin: germline.
Comment: This variant is classified as likely benign based on ACMG/AMP sequence variant interpretation guidelines (Richards et al. 2015 PMID: 25741868, with internal and published modifications).

Labcorp Genetics (formerly Invitae), Labcorp
Classification: Likely benign. Last evaluated: 2024-12-09. Review status: criteria provided, single submitter. Criteria: Invitae Variant Classification Sherloc (09022015). Collection method: clinical testing. Allele origin: germline.